The following is an entry in ClinVar:

NM_000327.4(ROM1):c.342_362del (p.Leu115_Leu121del)

Gene: ROM1 (retinal outer segment membrane protein 1; plus strand). Cytogenetic location: 11q12.3.
Variant type: Deletion.
Coding change: c.342_362del on transcript NM_000327.4 (MANE Select); coding-DNA positions 342 to 362, 21 bases deleted (CCTGGTCGTCGGCCTCGGGCT).
Protein change: p.Leu115_Leu121del.
Molecular consequence: inframe deletion.
Genome position (GRCh38, 1-based): chr11:62,613,623-62,613,643, CCTGGTCGTCGGCCTCGGGCT deleted; deleting any 21 consecutive bases within chr11:62,613,618-62,613,643 gives the same sequence; the c. name uses the placement nearest the transcript's 3' end. VCF-style (leftmost placement, unchanged base first): chr11-62613617-GGGGCTCCTGGTCGTCGGCCTC-G. GRCh37 (hg19) VCF-style: chr11-62381089-GGGGCTCCTGGTCGTCGGCCTC-G.
Identifiers: ClinVar variation 849260 (VCV000849260.7), dbSNP rs763179718, ClinGen allele CA6049712.

ClinVar aggregate classification (germline): Uncertain significance (1 of 4 stars; one submission).

Submission:

Labcorp Genetics (formerly Invitae), Labcorp
Classification: Uncertain significance. Last evaluated: 2025-05-05. Review status: criteria provided, single submitter. Criteria: Invitae Variant Classification Sherloc (09022015). Collection method: clinical testing. Allele origin: germline.
Comment: This variant, c.342_362del, results in the deletion of 7 amino acid(s) of the ROM1 protein (p.Leu115_Leu121del), but otherwise preserves the integrity of the reading frame. This variant is present in population databases (rs763179718, gnomAD 0.06%), and has an allele count higher than expected for a pathogenic variant. This variant has been observed in individual(s) with early-onset high myopia (PMID: 29453956). ClinVar contains an entry for this variant (Variation ID: 849260). Experimental studies and prediction algorithms are not available or were not evaluated, and the functional significance of this variant is currently unknown. In summary, the available evidence is currently insufficient to determine the role of this variant in disease. Therefore, it has been classified as a Variant of Uncertain Significance.

Literature cited by the submitters: PubMed 29453956.